The following is an entry in ClinVar:

ClinVar aggregate classification (germline): Benign (0 of 4 stars; one submission).

Conditions:
DROSHA-related disorder. Also called: DROSHA-related condition.

Allele frequency attached by ClinVar (database versions not stated): gnomAD exomes 0.00350; ExAC 0.01066; gnomAD 0.03470; 1000 Genomes Project 0.03574; ESP Exome Variant Server 0.03729; 1000 Genomes Project 30x 0.03810; TOPMed 0.03932.
gnomAD v4.1: 10,648 of 1,613,090 alleles (0.66%); highest among the groups gnomAD compares: African/African-American, 13%; 628 homozygotes.

Submission:

PreventionGenetics, part of Exact Sciences
Classification: Benign for DROSHA-related condition. Last evaluated: 2019-11-06. Review status: no assertion criteria provided. Collection method: clinical testing. Allele origin: germline.
Comment: This variant is classified as benign based on ACMG/AMP sequence variant interpretation guidelines (Richards et al. 2015 PMID: 25741868, with internal and published modifications).

NM_001382508.1(DROSHA):c.509C>T (p.Pro170Leu)

Gene: DROSHA (drosha ribonuclease III; minus strand). Cytogenetic location: 5p13.3.
Variant type: single nucleotide variant.
Coding change: c.509C>T on transcript NM_001382508.1 (MANE Select); coding-DNA position 509, C replaced by T.
Protein change: p.Pro170Leu; replaces proline 170 with leucine.
Molecular consequence: missense variant.
Genome position (GRCh38, 1-based): chr5:31,526,424, G>A on the plus strand (C>T on the coding strand, the complement: DROSHA is on the minus strand). VCF-style: chr5-31526424-G-A. GRCh37 (hg19) VCF-style: chr5-31526531-G-A.
Other names: c.509C>T, p.Pro170Leu (NM_001100412.2, NM_013235.5); short protein forms P170L.
Identifiers: ClinVar variation 3056959 (VCV003056959.2), dbSNP rs77034974, ClinGen allele CA3217941.
Genomic context (GRCh38, chr5:31,526,424, plus strand): 5'-CTAGGGTTGTTCTGGAAACTATTAAAACTGGGAGGTGGGAAGTTGTGGTGAGAATAGCCC[G>A]GAGGGTACTGATAATTAACCTGCTGCGGCATGACTGGAGGGGGCGGGGGATGAGGCATGG-3'
Protein context (NP_001369437.1, residues 160-180): MPQQVNYQYP[Pro170Leu]GYSHHNFPPP